The following is an entry in ClinVar:

ClinVar aggregate classification (germline): Uncertain significance (1 of 4 stars; one submission).

gnomAD v4.1: 1 of 1,613,028 alleles (0.000062%); no homozygotes.

Submission:

Mayo Clinic Laboratories, Mayo Clinic
Classification: Uncertain significance. Last evaluated: 2025-09-25. Review status: criteria provided, single submitter. Criteria: ACMG Guidelines, 2015. Collection method: clinical testing. Allele origin: germline. Observed: 1 variant allele.
Comment: BP4_moderate, PM2_supporting

NM_004565.3(PEX14):c.508C>T (p.Leu170Phe)

Genes: PEX14 (peroxisomal biogenesis factor 14; plus strand), LOC126805616 (CDK7 strongly-dependent group 2 enhancer GRCh37_chr1:10683990-10685189; plus strand). Cytogenetic location: 1p36.22.
Variant type: single nucleotide variant.
Coding change: c.508C>T on transcript NM_004565.3 (MANE Select); coding-DNA position 508, C replaced by T.
Protein change: p.Leu170Phe; replaces leucine 170 with phenylalanine.
Molecular consequence: missense variant.
Genome position (GRCh38, 1-based): chr1:10,624,360, C>T. VCF-style: chr1-10624360-C-T. GRCh37 (hg19) VCF-style: chr1-10684417-C-T.
Other names: p.Leu170Phe; short protein forms L170F.
Identifiers: ClinVar variation 4542126 (VCV004542126.1).